The following is an entry in ClinVar:

NM_003978.5(PSTPIP1):c.354+10G>A

Gene: PSTPIP1 (proline-serine-threonine phosphatase interacting protein 1; plus strand). Cytogenetic location: 15q24.3.
Variant type: single nucleotide variant.
Coding change: c.354+10G>A on transcript NM_003978.5 (MANE Select); 10 bases into the intron after coding-DNA position 354, G replaced by A.
Molecular consequence: intron variant.
Genome position (GRCh38, 1-based): chr15:77,025,614, G>A. VCF-style: chr15-77025614-G-A. GRCh37 (hg19) VCF-style: chr15-77317955-G-A.
Other names: c.354+10G>A (LRG_172t1, NM_001321135.2); c.549+10G>A (NM_001321137.1); c.327+10G>A (NM_001321136.2).
Identifiers: ClinVar variation 138821 (VCV000138821.21), dbSNP rs370745407, ClinGen allele CA292931.

ClinVar aggregate classification (germline): Benign/Likely benign. Review status: criteria provided, multiple submitters, no conflicts (2 of 4 stars). 7 submissions from 7 submitters: Benign (2); Likely benign (3). 2 of the submissions do not count toward it. Last evaluated 2026-02-01.

Conditions:
Autoinflammatory syndrome. Identifiers: Orphanet 93665, MedGen C3890737, MONDO:0019751.
Pyogenic arthritis-pyoderma gangrenosum-acne syndrome (PAPA). Also called: FAMILIAL RECURRENT ARTHRITIS; PAPA SYNDROME. Identifiers: Orphanet 69126, MedGen C1858361, MONDO:0011462, OMIM 604416.

Allele frequency attached by ClinVar (database versions not stated): ExAC 0.00015; 1000 Genomes Project 30x 0.00016; ESP Exome Variant Server 0.00017; 1000 Genomes Project 0.00020; gnomAD exomes 0.00030 and 0.00044; gnomAD 0.00031 and 0.00032; TOPMed 0.00031.
gnomAD v4.1: 646 of 1,538,642 alleles (0.042%); highest among the groups gnomAD compares: Non-Finnish European, 0.054%; no homozygotes.

Submissions (7):

Labcorp Genetics (formerly Invitae), Labcorp
Classification: Likely benign for Pyogenic arthritis-pyoderma gangrenosum-acne syndrome. Last evaluated: 2026-02-01. Review status: criteria provided, single submitter. Criteria: Invitae Variant Classification Sherloc (09022015). Collection method: clinical testing. Allele origin: germline.

Blueprint Genetics
Classification: Likely benign. Last evaluated: 2024-11-19. Review status: criteria provided, single submitter. Criteria: ACMG Guidelines, 2015. Collection method: clinical testing. Allele origin: germline.

Genome Diagnostics Laboratory, The Hospital for Sick Children
Classification: Likely benign for Autoinflammatory syndrome. Last evaluated: 2021-09-17. Review status: criteria provided, single submitter. Criteria: ACMG Guidelines, 2015. Collection method: clinical testing. Allele origin: germline. Affected: yes.

Illumina Laboratory Services, Illumina
Classification: Benign for Pyogenic arthritis-pyoderma gangrenosum-acne syndrome. Last evaluated: 2018-01-13. Review status: criteria provided, single submitter. Criteria: ICSL Variant Classification Criteria 13 December 2019. Collection method: clinical testing. Allele origin: germline.
Comment: This variant was observed in the ICSL laboratory as part of a predisposition screen in an ostensibly healthy population. It had not been previously curated by ICSL or reported in the Human Gene Mutation Database (HGMD: prior to June 1st, 2018), and was therefore a candidate for classification through an automated scoring system. Utilizing variant allele frequency, disease prevalence and penetrance estimates, and inheritance mode, an automated score was calculated to assess if this variant is too frequent to cause the disease. Based on the score and internal cut-off values, a variant classified as benign is not then subjected to further curation. The score for this variant resulted in a classification of benign for this disease.

GeneDx
Classification: Benign. Last evaluated: 2011-09-12. Review status: criteria provided, single submitter. Criteria: GeneDx Variant Classification (06012015). Collection method: clinical testing. Allele origin: germline. Affected: yes.
Comment: This variant is considered likely benign or benign based on one or more of the following criteria: it is a conservative change, it occurs at a poorly conserved position in the protein, it is predicted to be benign by multiple in silico algorithms, and/or has population frequency not consistent with disease.

Clinical Genetics DNA and cytogenetics Diagnostics Lab, Erasmus MC, Erasmus Medical Center
Classification: Likely benign. Review status: no assertion criteria provided. Collection method: clinical testing. Allele origin: germline. Affected: yes. Study: VKGL Data-share Consensus. Not counted in ClinVar's aggregate classification.

Genome Diagnostics Laboratory, University Medical Center Utrecht
Classification: Likely benign. Review status: no assertion criteria provided. Collection method: clinical testing. Allele origin: germline. Affected: yes. Study: VKGL Data-share Consensus. Not counted in ClinVar's aggregate classification.